The following is an entry in ClinVar:

ClinVar aggregate classification (germline): Benign/Likely benign. Review status: criteria provided, multiple submitters, no conflicts (2 of 4 stars). 4 submissions from 4 submitters: Benign (2); Likely benign (2). Last evaluated 2026-01-27.

Allele frequency attached by ClinVar (database versions not stated): 1000 Genomes Project 0.00319; 1000 Genomes Project 30x 0.00390; gnomAD 0.00451 and 0.00470; TOPMed 0.00454; ExAC 0.00530; gnomAD exomes 0.00541 and 0.00746; ESP Exome Variant Server 0.00746.

Submissions (4):

Labcorp Genetics (formerly Invitae), Labcorp
Classification: Benign. Last evaluated: 2026-01-27. Review status: criteria provided, single submitter. Criteria: Invitae Variant Classification Sherloc (09022015). Collection method: clinical testing. Allele origin: germline.

CeGaT Center for Human Genetics Tuebingen
Classification: Benign. Last evaluated: 2023-01-01. Review status: criteria provided, single submitter. Criteria: CeGaT Center For Human Genetics Tuebingen Variant Classification Criteria Version 2. Collection method: clinical testing. Allele origin: germline. Affected: yes. Observed: 1 variant allele.
Comment: KANK2: BP4, BP7, BS1, BS2

GeneDx
Classification: Likely benign. Last evaluated: 2020-02-01. Review status: criteria provided, single submitter. Criteria: GeneDx Variant Classification Process June 2021. Collection method: clinical testing. Allele origin: germline. Affected: yes.

Breakthrough Genomics
Classification: Likely benign. Review status: criteria provided, single submitter. Criteria: ACMG Guidelines, 2015. Collection method: not provided. Allele origin: germline. Inheritance: Autosomal recessive inheritance. Affected: yes.

NM_001136191.3(KANK2):c.1602G>A (p.Pro534=)

Gene: KANK2 (KN motif and ankyrin repeat domains 2; minus strand). Cytogenetic location: 19p13.2.
Variant type: single nucleotide variant.
Coding change: c.1602G>A on transcript NM_001136191.3 (MANE Select); coding-DNA position 1602, G replaced by A.
Protein change: p.Pro534=; no amino-acid change (proline 534 retained).
Molecular consequence: synonymous variant.
Genome position (GRCh38, 1-based): chr19:11,176,736, C>T on the plus strand (G>A on the coding strand, the complement: KANK2 is on the minus strand). VCF-style: chr19-11176736-C-T. GRCh37 (hg19) VCF-style: chr19-11287412-C-T.
Other names: c.1602G>A, p.Pro534= (NM_001329451.2, NM_001379555.1, NM_001379556.1 and 7 more transcripts); c.1626G>A, p.Pro542= (NM_001379548.1, NM_001379549.1, NM_001379550.1 and 5 more transcripts).
Identifiers: ClinVar variation 782052 (VCV000782052.36), dbSNP rs61734799, ClinGen allele CA9205588.